The following is an entry in ClinVar:

ClinVar aggregate classification (germline): Uncertain significance (1 of 4 stars; one submission).

Conditions:
Severe early-onset pulmonary alveolar proteinosis due to MARS deficiency. Also called: PULMONARY ALVEOLAR PROTEINOSIS, REUNION ISLAND; Interstitial lung and liver disease. Identifiers: Orphanet 440427, MedGen C4225400, MONDO:0014206, OMIM 615486.
Charcot-Marie-Tooth disease axonal type 2U. Also called: CHARCOT-MARIE-TOOTH NEUROPATHY, TYPE 2U; CHARCOT-MARIE-TOOTH DISEASE, AXONAL, AUTOSOMAL DOMINANT, TYPE 2U. Identifiers: Orphanet 397735, MedGen C4084821, MONDO:0014566, OMIM 616280.

gnomAD v4.1: 2 of 1,613,270 alleles (0.00012%); highest among the groups gnomAD compares: Non-Finnish European, 0.00017%; no homozygotes.

Submission:

Labcorp Genetics (formerly Invitae), Labcorp
Classification: Uncertain significance for Charcot-Marie-Tooth disease axonal type 2U; Severe early-onset pulmonary alveolar proteinosis due to MARS deficiency. Last evaluated: 2025-07-21. Review status: criteria provided, single submitter. Criteria: Invitae Variant Classification Sherloc (09022015). Collection method: clinical testing. Allele origin: germline.
Comment: This sequence change replaces threonine, which is neutral and polar, with isoleucine, which is neutral and non-polar, at codon 32 of the MARS protein (p.Thr32Ile). This variant is present in population databases (rs11540809, gnomAD 0.0009%). This variant has not been reported in the literature in individuals affected with MARS-related conditions. An algorithm developed to predict the effect of missense changes on protein structure and function (PolyPhen-2) suggests that this variant is likely to be tolerated. In summary, the available evidence is currently insufficient to determine the role of this variant in disease. Therefore, it has been classified as a Variant of Uncertain Significance.

NM_004990.4(MARS1):c.95C>T (p.Thr32Ile)

Genes: ARHGAP9 (Rho GTPase activating protein 9; minus strand), MARS1 (methionyl-tRNA synthetase 1; plus strand). Cytogenetic location: 12q13.3.
Variant type: single nucleotide variant.
Coding change: c.95C>T on transcript NM_004990.4 (MANE Select); coding-DNA position 95, C replaced by T.
Protein change: p.Thr32Ile; replaces threonine 32 with isoleucine.
Molecular consequence: missense variant. On other transcripts: intron variant (1).
Genome position (GRCh38, 1-based): chr12:57,488,185, C>T. VCF-style: chr12-57488185-C-T. GRCh37 (hg19) VCF-style: chr12-57881968-C-T.
Other names: c.-204+427G>A (NM_001319850.2); short protein forms T32I.
Identifiers: ClinVar variation 4793973 (VCV004793973.1).